The following is an entry in ClinVar:

ClinVar aggregate classification (germline): Uncertain significance. Review status: criteria provided, multiple submitters, no conflicts (2 of 4 stars). 2 submissions from 2 submitters: Uncertain significance (2). Last evaluated 2022-08-23.

Conditions:
Long QT syndrome (LQTS). Identifiers: MedGen C0023976, MeSH D008133, MONDO:0002442. Disease mechanism: loss of function. Inheritance: Various modes of inheritance.
Cardiovascular phenotype. Identifiers: MedGen CN230736.

Allele frequency attached by ClinVar (database versions not stated): gnomAD exomes below 0.00001.
gnomAD v4.1: 1 of 1,614,214 alleles (0.000062%); highest among the groups gnomAD compares: Non-Finnish European, 0.000085%; no homozygotes.

Submissions (2):

Labcorp Genetics (formerly Invitae), Labcorp
Classification: Uncertain significance for Long QT syndrome. Last evaluated: 2022-08-23. Review status: criteria provided, single submitter. Criteria: Invitae Variant Classification Sherloc (09022015). Collection method: clinical testing. Allele origin: germline.
Comment: In summary, the available evidence is currently insufficient to determine the role of this variant in disease. Therefore, it has been classified as a Variant of Uncertain Significance. Algorithms developed to predict the effect of missense changes on protein structure and function (SIFT, PolyPhen-2, Align-GVGD) all suggest that this variant is likely to be tolerated. ClinVar contains an entry for this variant (Variation ID: 1404204). This missense change has been observed in individual(s) with premature unexpected and unexplained sudden cardiac death (PMID: 31337358). This variant is not present in population databases (gnomAD no frequency). This sequence change replaces serine, which is neutral and polar, with asparagine, which is neutral and polar, at codon 855 of the KCNH2 protein (p.Ser855Asn).

Ambry Genetics
Classification: Uncertain significance for Cardiovascular phenotype. Last evaluated: 2021-03-17. Review status: criteria provided, single submitter. Criteria: Ambry Variant Classification Scheme 2023. Collection method: clinical testing. Allele origin: germline.
Comment: The p.S855N variant (also known as c.2564G>A), located in coding exon 10 of the KCNH2 gene, results from a G to A substitution at nucleotide position 2564. The serine at codon 855 is replaced by asparagine, an amino acid with highly similar properties, and is located in the C-terminal region of the protein. This variant was detected in a sudden arrhythmic death syndrome cohort; however, clinical details were limited (Raju H et al. BMC Cardiovasc Disord, 2019 07;19:174). This amino acid position is not well conserved in available vertebrate species, and asparagine is the reference amino acid in other vertebrate species. In addition, the in silico prediction for this alteration is inconclusive. Since supporting evidence is limited at this time, the clinical significance of this alteration remains unclear.

Literature cited by the submitters: PubMed 31337358 (cited by Labcorp Genetics (formerly Invitae), Labcorp and Ambry Genetics).

NM_000238.4(KCNH2):c.2564G>A (p.Ser855Asn)

Gene: KCNH2 (potassium voltage-gated channel subfamily H member 2; minus strand). Cytogenetic location: 7q36.1.
Variant type: single nucleotide variant.
Coding change: c.2564G>A on transcript NM_000238.4 (MANE Select); coding-DNA position 2564, G replaced by A.
Protein change: p.Ser855Asn; replaces serine 855 with asparagine.
Molecular consequence: missense variant.
Genome position (GRCh38, 1-based): chr7:150,948,884, C>T on the plus strand (G>A on the coding strand, the complement: KCNH2 is on the minus strand). VCF-style: chr7-150948884-C-T. GRCh37 (hg19) VCF-style: chr7-150645972-C-T.
Other names: c.1544G>A, p.Ser515Asn (NM_172057.3); short protein forms S515N, S855N.
Identifiers: ClinVar variation 1404204 (VCV001404204.11), dbSNP rs2116940209, ClinGen allele CA369854770.